The following is an entry in ClinVar:

NM_175914.5(HNF4A):c.427-5C>T

Gene: HNF4A (hepatocyte nuclear factor 4 alpha; plus strand). Cytogenetic location: 20q13.12.
Variant type: single nucleotide variant.
Coding change: c.427-5C>T on transcript NM_175914.5 (MANE Select); 5 bases into the intron before coding-DNA position 427, C replaced by T.
Molecular consequence: intron variant.
Genome position (GRCh38, 1-based): chr20:44,414,502, C>T. VCF-style: chr20-44414502-C-T. GRCh37 (hg19) VCF-style: chr20-43043142-C-T.
Other names: c.418-5C>T (NM_001287182.2, NM_001287183.2, NM_001287184.2); c.427-5C>T (NM_001030003.3, NM_001030004.3); c.472-5C>T (NM_001258355.2); c.493-5C>T (NM_178849.3, NM_000457.6, NM_178850.3).
Identifiers: ClinVar variation 211146 (VCV000211146.19), dbSNP rs374703326, ClinGen allele CA209272.
Genomic context (GRCh38, chr20:44,414,502, plus strand): 5'-CAGGGGACAGAGAGTGCGGGAGGGCCCGGACATCTCCAGCATTTTCTTCCCTGTATCTCT[C>T]GAAGATCACCTCCCCCGTCTCCGGGATCAACGGCGACATTCGGGCGAAGAAGATTGCCAG-3'

ClinVar aggregate classification (germline): Likely benign. Review status: reviewed by expert panel (3 of 4 stars). 7 submissions from 6 submitters: Likely benign (1). 6 of the submissions do not count toward it. Last evaluated 2023-05-27.

Conditions:
Monogenic diabetes. Identifiers: Orphanet 183625, MedGen C3888631, MONDO:0015967.
Maturity-onset diabetes of the young (MODY). Also called: Maturity onset diabetes mellitus in young. Identifiers: Orphanet 552, MedGen C0342276, MONDO:0018911, HP:0004904.
Familial hyperinsulinism. Also called: Congenital hyperinsulinism. Identifiers: Orphanet 276525, MedGen C3888018, MONDO:0017182. Disease mechanism: loss of function.
Maturity-onset diabetes of the young type 1. Also called: HNF4A-Related Maturity-Onset Diabetes of the Young Type 1; MODY type 1; Diabetes mellitus MODY type 1; MODY HNF4A related; MODY, type I; MILD JUVENILE DIABETES MELLITUS. Identifiers: Orphanet 552, MedGen C1852093, MONDO:0007452, OMIM 125850. Disease mechanism: loss of function.

Allele frequency attached by ClinVar (database versions not stated): TOPMed 0.00008; gnomAD 0.00009; ESP Exome Variant Server 0.00031.
gnomAD v4.1: 247 of 1,614,098 alleles (0.015%); highest among the groups gnomAD compares: Non-Finnish European, 0.018%; 1 homozygote.

Submissions (7):

ClinGen Monogenic Diabetes Variant Curation Expert Panel
Classification: Likely benign for Monogenic diabetes. Last evaluated: 2023-05-27. Review status: reviewed by expert panel. Criteria: MDEP HNF4A Specificiations 1.0.0. Collection method: curation. Allele origin: germline. Inheritance: Autosomal dominant inheritance.
Comment: The c.427-5C>T variant in the hepatocyte nuclear factor-4-alpha gene, HNF4A, is located in the non-canonical splice acceptor region five base pairs upstream of the intron 4/ exon 4 splice junction of NM_175914.5. This variant has a Popmax Filtering allele frequency in gnomAD 2.1.1 of 0.00006366, which is greater than the MDEP threshold for BS1 (0.000033) (BS1). The computational splicing predictor SpliceAI gives a score of 0.00 for acceptor loss/gain, suggesting that the variant has no impact on splicing. In summary, c.427-5C>T meets the criteria to be classified as likely benign for monogenic diabetes. ACMG/AMP criteria applied, as specified by the ClinGen MDENmP (specification version 1.0.0, approved 11/16/2022): BP4, BS1.

Blueprint Genetics
Classification: Likely benign. Last evaluated: 2021-12-29. Review status: criteria provided, single submitter. Criteria: ACMG Guidelines, 2015. Collection method: clinical testing. Allele origin: germline. Not counted in ClinVar's aggregate classification.

Labcorp Genetics (formerly Invitae), Labcorp
Classification: Likely benign. Last evaluated: 2021-06-22. Review status: criteria provided, single submitter. Criteria: Invitae Variant Classification Sherloc (09022015). Collection method: clinical testing. Allele origin: germline. Not counted in ClinVar's aggregate classification.

Illumina Laboratory Services, Illumina
Classification: Uncertain significance for Familial hyperinsulinism. Last evaluated: 2018-01-13. Review status: criteria provided, single submitter. Criteria: ICSL Variant Classification Criteria 13 December 2019. Collection method: clinical testing. Allele origin: germline. Not counted in ClinVar's aggregate classification.

Illumina Laboratory Services, Illumina
Classification: Uncertain significance for Maturity-onset diabetes of the young type 1. Last evaluated: 2018-01-13. Review status: criteria provided, single submitter. Criteria: ICSL Variant Classification Criteria 13 December 2019. Collection method: clinical testing. Allele origin: germline. Not counted in ClinVar's aggregate classification.

Genetic Services Laboratory, University of Chicago
Classification: Uncertain significance. Last evaluated: 2015-04-16. Review status: criteria provided, single submitter. Criteria: ACMG Guidelines, 2015. Collection method: clinical testing. Allele origin: germline. Not counted in ClinVar's aggregate classification.

Clinical Genomics, Uppaluri K&H Personalized Medicine Clinic
Classification: Benign for Maturity-onset diabetes of the young. Review status: criteria provided, single submitter. Criteria: K & H Uppaluri Personalized Medicine Clinic Variant Classification & Assertion Criteria_Updated V.1. Collection method: research. Allele origin: unknown. Inheritance: Autosomal dominant inheritance. Not counted in ClinVar's aggregate classification.
Comment: Potent mutations in HNF4A are associated with poor insulin secretion in response to hyperglycemia. Associated with MODY1. Patients initially respond well to sulfonylureas but eventually become insulin dependent. However, more evidence is required to ascertain the role of this particular variant rs374703326 in MODY, yet.

Literature cited by the submitters: PubMed 18268044 (cited by Clinical Genomics, Uppaluri K&H Personalized Medicine Clinic); PubMed 17563455 (cited by Clinical Genomics, Uppaluri K&H Personalized Medicine Clinic); PubMed 32583173 (cited by Clinical Genomics, Uppaluri K&H Personalized Medicine Clinic); PubMed 35052457 (cited by Clinical Genomics, Uppaluri K&H Personalized Medicine Clinic); PubMed 35118593 (cited by Clinical Genomics, Uppaluri K&H Personalized Medicine Clinic); DOI 10.1159/000334532 (cited by Clinical Genomics, Uppaluri K&H Personalized Medicine Clinic).